The following is an entry in ClinVar:

NM_212482.4(FN1):c.46T>G (p.Cys16Gly)

Genes: FN1-DT (FN1 divergent transcript; plus strand), FN1 (fibronectin 1; minus strand). Cytogenetic location: 2q35.
Variant type: single nucleotide variant.
Coding change: c.46T>G on transcript NM_212482.4 (MANE Select); coding-DNA position 46, T replaced by G.
Protein change: p.Cys16Gly; replaces cysteine 16 with glycine.
Molecular consequence: missense variant. On other transcripts: non-coding transcript variant (1).
Genome position (GRCh38, 1-based): chr2:215,435,757, A>C on the plus strand (T>G on the coding strand, the complement: FN1 is on the minus strand). VCF-style: chr2-215435757-A-C. GRCh37 (hg19) VCF-style: chr2-216300480-A-C.
Other names: c.46T>G (NM_212482.2); c.46T>G, p.Cys16Gly (NM_001306129.2, NM_001306130.2, NM_001306131.2 and 14 more transcripts); short protein forms C16G.
Identifiers: ClinVar variation 2712254 (VCV002712254.6), dbSNP rs775534734, ClinGen allele CA2095695.

ClinVar aggregate classification (germline): Conflicting classifications of pathogenicity. Review status: criteria provided, conflicting classifications (1 of 4 stars). 3 submissions from 3 submitters: Uncertain significance (2); Likely benign (1). Last evaluated 2026-06-01.

Conditions:
FN1-related disorder. Also called: FN1-related condition.

Allele frequency attached by ClinVar (database versions not stated): ExAC 0.00001; gnomAD exomes 0.00001; gnomAD 0.00002; TOPMed 0.00004.
gnomAD v4.1: 29 of 1,599,200 alleles (0.0018%); highest among the groups gnomAD compares: East Asian, 0.022%; no homozygotes.

Submissions (3):

CeGaT Center for Human Genetics Tuebingen
Classification: Uncertain significance. Last evaluated: 2026-06-01. Review status: criteria provided, single submitter. Criteria: CeGaT Center For Human Genetics Tuebingen Variant Classification Criteria Version 2. Collection method: clinical testing. Allele origin: germline. Affected: yes. Observed: 1 variant allele.
Comment: FN1: PP2, BP4

Labcorp Genetics (formerly Invitae), Labcorp
Classification: Likely benign. Last evaluated: 2025-07-29. Review status: criteria provided, single submitter. Criteria: Invitae Variant Classification Sherloc (09022015). Collection method: clinical testing. Allele origin: germline.

PreventionGenetics, part of Exact Sciences
Classification: Uncertain significance for FN1-related condition. Last evaluated: 2025-06-10. Review status: criteria provided, single submitter. Criteria: ACMG Guidelines, 2015. Collection method: clinical testing. Allele origin: germline.
Comment: The FN1 c.46T>G variant is predicted to result in the amino acid substitution p.Cys16Gly. To our knowledge, this variant has not been reported in the literature. This variant is reported in 0.027% of alleles in individuals of East Asian descent in gnomAD. Although we suspect that this variant may be benign, at this time, the clinical significance of this variant is uncertain due to the absence of conclusive functional and genetic evidence.